The following is an entry in ClinVar:

NM_000051.4(ATM):c.2251-18del

Gene: ATM (ATM serine/threonine kinase; plus strand). Cytogenetic location: 11q22.3.
Variant type: Deletion.
Coding change: c.2251-18del on transcript NM_000051.4 (MANE Select); 18 bases into the intron before coding-DNA position 2251, one base deleted (T; older notation c.2251-18delT).
Molecular consequence: intron variant.
Genome position (GRCh38, 1-based): chr11:108,257,463, T deleted; the last of 5 consecutive T bases (chr11:108,257,459-108,257,463); deleting any one gives the same sequence. VCF-style (leftmost placement, unchanged base first): chr11-108257458-AT-A. GRCh37 (hg19) VCF-style: chr11-108128185-AT-A.
Other names: c.2251-18delT (NM_000051.3); c.2251-18del (NM_001351834.2).
Identifiers: ClinVar variation 517041 (VCV000517041.2), dbSNP rs730881284, ClinGen allele CA601696300.

ClinVar aggregate classification (germline): Benign/Likely benign. Review status: criteria provided, multiple submitters, no conflicts (2 of 4 stars). 2 submissions from 2 submitters: Benign (1); Likely benign (1). Last evaluated 2024-05-08.

Conditions:
Familial cancer of breast. Also called: BREAST CANCER, FAMILIAL; hereditary breast carcinoma; Hereditary breast cancer. Identifiers: Orphanet 227535, MedGen C0346153, MONDO:0016419, OMIM 114480. Disease mechanism: loss of function.

Submissions (2):

Myriad Genetics, Inc.
Classification: Benign for Familial cancer of breast. Last evaluated: 2024-05-08. Review status: criteria provided, single submitter. Criteria: Myriad Autosomal Dominant, Autosomal Recessive and X-Linked Classification Criteria (2023). Collection method: clinical testing. Allele origin: unknown.
Comment: This variant is considered benign. This variant is intronic and is not expected to impact mRNA splicing.

GeneDx
Classification: Likely benign. Last evaluated: 2017-09-08. Review status: criteria provided, single submitter. Criteria: GeneDx Variant Classification (06012015). Collection method: clinical testing. Allele origin: germline. Affected: yes.
Comment: This variant is considered likely benign or benign based on one or more of the following criteria: it is a conservative change, it occurs at a poorly conserved position in the protein, it is predicted to be benign by multiple in silico algorithms, and/or has population frequency not consistent with disease.